The following is an entry in ClinVar:

ClinVar aggregate classification (germline): Uncertain significance (1 of 4 stars; one submission).

Allele frequency attached by ClinVar (database versions not stated): gnomAD 0.00001.
gnomAD v4.1: 4 of 1,606,516 alleles (0.00025%); highest among the groups gnomAD compares: Non-Finnish European, 0.000085%; no homozygotes.

Submission:

Ambry Genetics
Classification: Uncertain significance. Last evaluated: 2023-05-02. Review status: criteria provided, single submitter. Criteria: Ambry Variant Classification Scheme 2023. Collection method: clinical testing. Allele origin: germline.
Comment: The p.A90T variant (also known as c.268G>A), located in coding exon 2 of the MNDA gene, results from a G to A substitution at nucleotide position 268. The alanine at codon 90 is replaced by threonine, an amino acid with similar properties. This amino acid position is conserved. In addition, this alteration is predicted to be tolerated by in silico analysis. Since supporting evidence is limited at this time, the clinical significance of this alteration remains unclear.

NM_002432.3(MNDA):c.268G>A (p.Ala90Thr)

Gene: MNDA (myeloid cell nuclear differentiation antigen; plus strand). Cytogenetic location: 1q23.1.
Variant type: single nucleotide variant.
Coding change: c.268G>A on transcript NM_002432.3 (MANE Select); coding-DNA position 268, G replaced by A.
Protein change: p.Ala90Thr; replaces alanine 90 with threonine.
Molecular consequence: missense variant.
Genome position (GRCh38, 1-based): chr1:158,843,281, G>A. VCF-style: chr1-158843281-G-A. GRCh37 (hg19) VCF-style: chr1-158813071-G-A.
Other names: short protein forms A90T.
Identifiers: ClinVar variation 2560431 (VCV002560431.2), dbSNP rs1193668927, ClinGen allele CA343038400.